The following is an entry in ClinVar:

ClinVar aggregate classification (germline): Uncertain significance. Review status: criteria provided, multiple submitters, no conflicts (2 of 4 stars). 2 submissions from 2 submitters: Uncertain significance (2). Last evaluated 2024-05-26.

Conditions:
MEGF10-related myopathy (CMYO10A). Also called: Congenital myopathy 10A, severe variant. Identifiers: Orphanet 439212, MedGen C3280679, MONDO:0013731, OMIM 614399.

Allele frequency attached by ClinVar (database versions not stated): gnomAD 0.00001.
gnomAD v4.1: 2 of 1,613,972 alleles (0.00012%); highest among the groups gnomAD compares: Admixed American, 0.0017%; no homozygotes.

Submissions (2):

GeneDx
Classification: Uncertain significance. Last evaluated: 2024-05-26. Review status: criteria provided, single submitter. Criteria: GeneDx Variant Classification Process June 2021. Collection method: clinical testing. Allele origin: germline. Affected: yes.
Comment: Not observed at significant frequency in large population cohorts (gnomAD); In silico analysis indicates that this missense variant does not alter protein structure/function; Has not been previously published as pathogenic or benign to our knowledge

Labcorp Genetics (formerly Invitae), Labcorp
Classification: Uncertain significance for MEGF10-related myopathy. Last evaluated: 2021-07-27. Review status: criteria provided, single submitter. Criteria: Invitae Variant Classification Sherloc (09022015). Collection method: clinical testing. Allele origin: germline.
Comment: In summary, the available evidence is currently insufficient to determine the role of this variant in disease. Therefore, it has been classified as a Variant of Uncertain Significance. Algorithms developed to predict the effect of missense changes on protein structure and function are either unavailable or do not agree on the potential impact of this missense change (SIFT: "Deleterious"; PolyPhen-2: "Benign"; Align-GVGD: "Class C0"). This variant has not been reported in the literature in individuals affected with MEGF10-related conditions. This variant is not present in population databases (ExAC no frequency). This sequence change replaces threonine with asparagine at codon 977 of the MEGF10 protein (p.Thr977Asn). The threonine residue is highly conserved and there is a small physicochemical difference between threonine and asparagine.

NM_001256545.2(MEGF10):c.2930C>A (p.Thr977Asn)

Gene: MEGF10 (multiple EGF like domains 10; plus strand). Cytogenetic location: 5q23.2.
Variant type: single nucleotide variant.
Coding change: c.2930C>A on transcript NM_001256545.2 (MANE Select); coding-DNA position 2930, C replaced by A.
Protein change: p.Thr977Asn; replaces threonine 977 with asparagine.
Molecular consequence: missense variant.
Genome position (GRCh38, 1-based): chr5:127,449,172, C>A. VCF-style: chr5-127449172-C-A. GRCh37 (hg19) VCF-style: chr5-126784864-C-A.
Other names: c.2930C>A, p.Thr977Asn (NM_032446.3); c.2930C>A (NM_032446.2); short protein forms T977N.
Identifiers: ClinVar variation 1422822 (VCV001422822.9), dbSNP rs1209092369, ClinGen allele CA360735492.